The following is an entry in ClinVar:

ClinVar aggregate classification (germline): Pathogenic/Likely pathogenic. Review status: criteria provided, multiple submitters, no conflicts (2 of 4 stars). 2 submissions from 2 submitters: Pathogenic (1); Likely pathogenic (1). Last evaluated 2024-02-07.

Conditions:
Trichohepatoenteric syndrome 2 (THES2). Identifiers: Orphanet 84064, MedGen C3281289, MONDO:0013818, OMIM 614602.

Allele frequency attached by ClinVar (database versions not stated): gnomAD 0.00001; TOPMed 0.00002; ESP Exome Variant Server 0.00008.
gnomAD v4.1: 23 of 1,613,920 alleles (0.0014%); highest among the groups gnomAD compares: African/African-American, 0.0027%; no homozygotes.

Submissions (2):

Labcorp Genetics (formerly Invitae), Labcorp
Classification: Pathogenic. Last evaluated: 2024-02-07. Review status: criteria provided, single submitter. Criteria: Invitae Variant Classification Sherloc (09022015). Collection method: clinical testing. Allele origin: germline.
Comment: This sequence change affects an acceptor splice site in intron 18 of the SKIV2L gene. It is expected to disrupt RNA splicing. Variants that disrupt the donor or acceptor splice site typically lead to a loss of protein function (PMID: 16199547), and loss-of-function variants in SKIV2L are known to be pathogenic (PMID: 22444670). This variant is present in population databases (rs144714933, gnomAD 0.0009%). Disruption of this splice site has been observed in individual(s) with clinical features of SKIV2L-related conditions (PMID: 28496993, 31681265). In at least one individual the data is consistent with being in trans (on the opposite chromosome) from a pathogenic variant. ClinVar contains an entry for this variant (Variation ID: 2626980). Algorithms developed to predict the effect of sequence changes on RNA splicing suggest that this variant may disrupt the consensus splice site. For these reasons, this variant has been classified as Pathogenic.

Greenwood Genetic Center Diagnostic Laboratories, Greenwood Genetic Center
Classification: Likely pathogenic for Trichohepatoenteric syndrome 2. Last evaluated: 2023-07-11. Review status: criteria provided, single submitter. Criteria: ACMG Guidelines, 2015. Collection method: clinical testing. Allele origin: germline. Affected: yes.
Comment: PVS1_Moderate, PM2, PM3

Literature cited by the submitters: PubMed 16199547 (cited by Labcorp Genetics (formerly Invitae), Labcorp); PubMed 22444670 (cited by Labcorp Genetics (formerly Invitae), Labcorp); PubMed 28496993 (cited by Labcorp Genetics (formerly Invitae), Labcorp); PubMed 31681265 (cited by Labcorp Genetics (formerly Invitae), Labcorp).

NM_006929.5(SKIC2):c.2203-1G>A

Gene: SKIC2 (SKI2 subunit of superkiller complex; plus strand). Cytogenetic location: 6p21.33.
Variant type: single nucleotide variant.
Coding change: c.2203-1G>A on transcript NM_006929.5 (MANE Select); the canonical splice acceptor site of the intron before coding-DNA position 2203, G replaced by A.
Molecular consequence: splice acceptor variant.
Genome position (GRCh38, 1-based): chr6:31,966,708, G>A. VCF-style: chr6-31966708-G-A. GRCh37 (hg19) VCF-style: chr6-31934485-G-A.
Identifiers: ClinVar variation 2626980 (VCV002626980.4), dbSNP rs144714933, ClinGen allele CA136912294.
Genomic context (GRCh38, chr6:31,966,708, plus strand): 5'-GACTGGCTGGGGTTCAGTAGGTCCCACCCTGATCTCAGTGACTTCTGTGACCTGACTCCA[G>A]GGGAAGCCGTCCCAGCTGCAGTCCCAGTTCCGCCTCACGTACACTATGATCCTCAACTTG-3'